The following is an entry in ClinVar:

NM_004068.4(AP2M1):c.855T>C (p.Leu285=)

Gene: AP2M1 (adaptor related protein complex 2 subunit mu 1; plus strand). Cytogenetic location: 3q27.1.
Variant type: single nucleotide variant.
Coding change: c.855T>C on transcript NM_004068.4 (MANE Select); coding-DNA position 855, T replaced by C.
Protein change: p.Leu285=; no amino-acid change (leucine 285 retained).
Molecular consequence: synonymous variant.
Genome position (GRCh38, 1-based): chr3:184,181,939, T>C. VCF-style: chr3-184181939-T-C. GRCh37 (hg19) VCF-style: chr3-183899727-T-C.
Other names: c.849T>C, p.Leu283= (NM_001025205.2); c.930T>C, p.Leu310= (NM_001311198.2).
Identifiers: ClinVar variation 1917340 (VCV001917340.10), dbSNP rs754078750, ClinGen allele CA2727825.

ClinVar aggregate classification (germline): Likely benign. Review status: criteria provided, multiple submitters, no conflicts (2 of 4 stars). 3 submissions from 3 submitters: Likely benign (3). Last evaluated 2026-02-01.

Allele frequency attached by ClinVar (database versions not stated): ExAC 0.00002; gnomAD 0.00002; gnomAD exomes 0.00005.
gnomAD v4.1: 70 of 1,613,970 alleles (0.0043%); highest among the groups gnomAD compares: Non-Finnish European, 0.0057%; no homozygotes.

Submissions (3):

CeGaT Center for Human Genetics Tuebingen
Classification: Likely benign. Last evaluated: 2026-02-01. Review status: criteria provided, single submitter. Criteria: CeGaT Center For Human Genetics Tuebingen Variant Classification Criteria Version 2. Collection method: clinical testing. Allele origin: germline. Affected: yes. Observed: 1 variant allele.
Comment: AP2M1: BP4, BP7

Labcorp Genetics (formerly Invitae), Labcorp
Classification: Likely benign. Last evaluated: 2025-07-08. Review status: criteria provided, single submitter. Criteria: Invitae Variant Classification Sherloc (09022015). Collection method: clinical testing. Allele origin: germline.

Blueprint Genetics
Classification: Likely benign. Last evaluated: 2024-11-20. Review status: criteria provided, single submitter. Criteria: ACMG Guidelines, 2015. Collection method: clinical testing. Allele origin: germline.